The following is an entry in ClinVar:

ClinVar aggregate classification (germline): Conflicting classifications of pathogenicity. Review status: criteria provided, conflicting classifications (1 of 4 stars). 4 submissions from 4 submitters: Uncertain significance (2); Benign (1); Likely benign (1). Last evaluated 2024-05-14.

Conditions:
Inborn genetic diseases. Identifiers: MedGen C0950123, MeSH D030342.
Vitreoretinopathy. Also called: Vitreoretinal degeneration. Identifiers: MedGen C0344290, MONDO:0020248, HP:0007773.

Allele frequency attached by ClinVar (database versions not stated): gnomAD exomes 0.00001 and 0.00002; ExAC 0.00002; TOPMed 0.00010; gnomAD 0.00013 and 0.00014.
gnomAD v4.1: 34 of 1,613,978 alleles (0.0021%); highest among the groups gnomAD compares: African/African-American, 0.04%; no homozygotes.

Submissions (4):

Ambry Genetics
Classification: Uncertain significance for Inborn genetic diseases. Last evaluated: 2024-05-14. Review status: criteria provided, single submitter. Criteria: Ambry Variant Classification Scheme 2023. Collection method: clinical testing. Allele origin: germline.

Labcorp Genetics (formerly Invitae), Labcorp
Classification: Uncertain significance. Last evaluated: 2024-02-24. Review status: criteria provided, single submitter. Criteria: Invitae Variant Classification Sherloc (09022015). Collection method: clinical testing. Allele origin: germline.
Comment: This sequence change replaces threonine, which is neutral and polar, with alanine, which is neutral and non-polar, at codon 2656 of the VCAN protein (p.Thr2656Ala). This variant is present in population databases (rs756823982, gnomAD 0.03%). This variant has not been reported in the literature in individuals affected with VCAN-related conditions. ClinVar contains an entry for this variant (Variation ID: 354451). Algorithms developed to predict the effect of missense changes on protein structure and function output the following: SIFT: "Not Available"; PolyPhen-2: "Benign"; Align-GVGD: "Not Available". The alanine amino acid residue is found in multiple mammalian species, which suggests that this missense change does not adversely affect protein function. In summary, the available evidence is currently insufficient to determine the role of this variant in disease. Therefore, it has been classified as a Variant of Uncertain Significance.

Blueprint Genetics
Classification: Likely benign. Last evaluated: 2024-02-22. Review status: criteria provided, single submitter. Criteria: ACMG Guidelines, 2015. Collection method: clinical testing. Allele origin: germline.

Illumina Laboratory Services, Illumina
Classification: Benign for Vitreoretinopathy. Last evaluated: 2018-01-13. Review status: criteria provided, single submitter. Criteria: ICSL Variant Classification Criteria 13 December 2019. Collection method: clinical testing. Allele origin: germline.
Comment: This variant was observed in the ICSL laboratory as part of a predisposition screen in an ostensibly healthy population. It had not been previously curated by ICSL or reported in the Human Gene Mutation Database (HGMD: prior to June 1st, 2018), and was therefore a candidate for classification through an automated scoring system. Utilizing variant allele frequency, disease prevalence and penetrance estimates, and inheritance mode, an automated score was calculated to assess if this variant is too frequent to cause the disease. Based on the score and internal cut-off values, a variant classified as benign is not then subjected to further curation. The score for this variant resulted in a classification of benign for this disease.

NM_004385.5(VCAN):c.7966A>G (p.Thr2656Ala)

Genes: VCAN (versican; plus strand), VCAN-AS1 (VCAN antisense RNA 1; minus strand). Cytogenetic location: 5q14.3.
Variant type: single nucleotide variant.
Coding change: c.7966A>G on transcript NM_004385.5 (MANE Select); coding-DNA position 7966, A replaced by G.
Protein change: p.Thr2656Ala; replaces threonine 2656 with alanine.
Molecular consequence: missense variant. On other transcripts: intron variant (2).
Genome position (GRCh38, 1-based): chr5:83,540,969, A>G. VCF-style: chr5-83540969-A-G. GRCh37 (hg19) VCF-style: chr5-82836788-A-G.
Other names: c.5005A>G, p.Thr1669Ala (NM_001164097.2); c.4004-4568A>G (NM_001164098.2); c.1043-4568A>G (NM_001126336.3); short protein forms T2656A, T1669A.
Identifiers: ClinVar variation 354451 (VCV000354451.15), dbSNP rs756823982, ClinGen allele CA3333720.